The following is an entry in ClinVar:

ClinVar aggregate classification (germline): Likely benign. Review status: criteria provided, multiple submitters, no conflicts (2 of 4 stars). 6 submissions from 6 submitters: Likely benign (6). Last evaluated 2025-07-01.

Conditions:
Developmental and epileptic encephalopathy, 69. Also called: EPILEPTIC ENCEPHALOPATHY, EARLY INFANTILE, 69. Identifiers: MedGen C4748988, MONDO:0032657, OMIM 618285.

Allele frequency attached by ClinVar (database versions not stated): gnomAD exomes 0.00093; ExAC 0.00124; gnomAD 0.00425 and 0.00461; 1000 Genomes Project 30x 0.00453; 1000 Genomes Project 0.00479; TOPMed 0.00504; ESP Exome Variant Server 0.00523.
gnomAD v4.1: 1,263 of 1,611,496 alleles (0.078%); highest among the groups gnomAD compares: African/African-American, 1.4%; 7 homozygotes.

Submissions (6):

CeGaT Center for Human Genetics Tuebingen
Classification: Likely benign. Last evaluated: 2025-07-01. Review status: criteria provided, single submitter. Criteria: CeGaT Center For Human Genetics Tuebingen Variant Classification Criteria Version 2. Collection method: clinical testing. Allele origin: germline. Affected: yes. Observed: 3 variant alleles.
Comment: CACNA1E: BS1

Blueprint Genetics
Classification: Likely benign. Last evaluated: 2024-11-25. Review status: criteria provided, single submitter. Criteria: ACMG Guidelines, 2015. Collection method: clinical testing. Allele origin: germline.

ARUP Laboratories, Molecular Genetics and Genomics, ARUP Laboratories
Classification: Likely benign for Developmental and epileptic encephalopathy, 69. Last evaluated: 2024-09-16. Review status: criteria provided, single submitter. Criteria: ARUP Molecular Germline Variant Investigation Process 2024. Collection method: clinical testing. Allele origin: germline.

Genome-Nilou Lab
Classification: Likely benign for Developmental and epileptic encephalopathy, 69. Last evaluated: 2023-04-11. Review status: criteria provided, single submitter. Criteria: ACMG Guidelines, 2015. Collection method: clinical testing. Allele origin: germline. Affected: no.

GeneDx
Classification: Likely benign. Last evaluated: 2021-06-17. Review status: criteria provided, single submitter. Criteria: GeneDx Variant Classification Process June 2021. Collection method: clinical testing. Allele origin: germline. Affected: yes.

Breakthrough Genomics
Classification: Likely benign. Review status: criteria provided, single submitter. Criteria: ACMG Guidelines, 2015. Collection method: not provided. Allele origin: germline. Inheritance: Autosomal dominant inheritance. Affected: yes.

NM_001205293.3(CACNA1E):c.6008G>A (p.Arg2003His)

Gene: CACNA1E (calcium voltage-gated channel subunit alpha1 E; plus strand). Cytogenetic location: 1q25.3.
Variant type: single nucleotide variant.
Coding change: c.6008G>A on transcript NM_001205293.3 (MANE Select); coding-DNA position 6008, G replaced by A.
Protein change: p.Arg2003His; replaces arginine 2003 with histidine.
Molecular consequence: missense variant. On other transcripts: intron variant (2).
Genome position (GRCh38, 1-based): chr1:181,793,774, G>A. VCF-style: chr1-181793774-G-A. GRCh37 (hg19) VCF-style: chr1-181762910-G-A.
Other names: c.5899-1090G>A (NM_000721.4); c.5842-1090G>A (NM_001205294.2); short protein forms R2003H.
Identifiers: ClinVar variation 1328838 (VCV001328838.29), dbSNP rs189129701, ClinGen allele CA1276278.